The following is an entry in ClinVar:

ClinVar aggregate classification (germline): Benign/Likely benign. Review status: criteria provided, multiple submitters, no conflicts (2 of 4 stars). 3 submissions from 3 submitters: Benign (1); Likely benign (2). Last evaluated 2026-01-17.

Conditions:
Rienhoff syndrome. Also called: LOEYS-DIETZ SYNDROME 5. Identifiers: MedGen C3810012, MONDO:0014262, OMIM 615582.

Allele frequency attached by ClinVar (database versions not stated): gnomAD 0.00002 and 0.00003; TOPMed 0.00005; gnomAD exomes 0.00007 and 0.00014; ExAC 0.00015; 1000 Genomes Project 30x 0.00016; 1000 Genomes Project 0.00020.
gnomAD v4.1: 112 of 1,613,994 alleles (0.0069%); highest among the groups gnomAD compares: South Asian, 0.085%; 1 homozygote.

Submissions (3):

Labcorp Genetics (formerly Invitae), Labcorp
Classification: Benign for Rienhoff syndrome. Last evaluated: 2026-01-17. Review status: criteria provided, single submitter. Criteria: Invitae Variant Classification Sherloc (09022015). Collection method: clinical testing. Allele origin: germline.

Blueprint Genetics
Classification: Likely benign. Last evaluated: 2024-08-26. Review status: criteria provided, single submitter. Criteria: ACMG Guidelines, 2015. Collection method: clinical testing. Allele origin: germline.

GeneDx
Classification: Likely benign. Last evaluated: 2017-06-01. Review status: criteria provided, single submitter. Criteria: GeneDx Variant Classification (06012015). Collection method: clinical testing. Allele origin: germline. Affected: yes.
Comment: This variant is considered likely benign or benign based on one or more of the following criteria: it is a conservative change, it occurs at a poorly conserved position in the protein, it is predicted to be benign by multiple in silico algorithms, and/or has population frequency not consistent with disease.

NM_003239.5(TGFB3):c.927-20A>G

Gene: TGFB3 (transforming growth factor beta 3; minus strand). Cytogenetic location: 14q24.3.
Variant type: single nucleotide variant.
Coding change: c.927-20A>G on transcript NM_003239.5 (MANE Select); 20 bases into the intron before coding-DNA position 927, A replaced by G.
Molecular consequence: intron variant.
Genome position (GRCh38, 1-based): chr14:75,961,096, T>C on the plus strand (A>G on the coding strand, the complement: TGFB3 is on the minus strand). VCF-style: chr14-75961096-T-C. GRCh37 (hg19) VCF-style: chr14-76427439-T-C.
Other names: c.927-20A>G (NM_001329939.2).
Identifiers: ClinVar variation 509964 (VCV000509964.10), dbSNP rs574227787, ClinGen allele CA7280300.
Genomic context (GRCh38, chr14:75,961,096, plus strand): 5'-CAATGTAGAGGGGGCGCACACAGCAGTTCTCCTCCAAGTTGCTACAACAAAAAACATTTA[T>C]AGAAAATCAACTTAAAACCACCAATAAAAGAAACTTCATGAATGCTCTCATATTCTCCCT-3'